The following is an entry in ClinVar:

NM_020937.4(FANCM):c.1396+6T>A

Gene: FANCM (FA complementation group M; plus strand). Cytogenetic location: 14q21.2.
Variant type: single nucleotide variant.
Coding change: c.1396+6T>A on transcript NM_020937.4 (MANE Select); 6 bases into the intron after coding-DNA position 1396, T replaced by A.
Molecular consequence: intron variant.
Genome position (GRCh38, 1-based): chr14:45,155,465, T>A. VCF-style: chr14-45155465-T-A. GRCh37 (hg19) VCF-style: chr14-45624668-T-A.
Other names: c.1318+6T>A (NM_001308133.2); c.1396+6T>A (NM_001308134.2).
Identifiers: ClinVar variation 961254 (VCV000961254.9), dbSNP rs1887117102, ClinGen allele CA1139663458.
Genomic context (GRCh38, chr14:45,155,465, plus strand): 5'-CCAAAGTTAAAGAAATTAGAAGAAGTTGTAATTGAACACTTCAAGTCATGGAATGGTAGG[T>A]CATATTTAGTAGCTTTAAGGCAAGACAAAGTTATTGCAAGAGGTAAAACTTTACTTATGG-3'

ClinVar aggregate classification (germline): Uncertain significance (1 of 4 stars; one submission).

Conditions:
Fanconi anemia (FA). Also called: Fanconi's anemia. Identifiers: Orphanet 84, MedGen C0015625, MeSH D005199, MONDO:0019391.

Submission:

Labcorp Genetics (formerly Invitae), Labcorp
Classification: Uncertain significance for Fanconi anemia. Last evaluated: 2019-09-02. Review status: criteria provided, single submitter. Criteria: Invitae Variant Classification Sherloc (09022015). Collection method: clinical testing. Allele origin: germline.
Comment: This variant has not been reported in the literature in individuals with FANCM-related conditions. Nucleotide substitutions within the consensus splice site are a relatively common cause of aberrant splicing (PMID: 17576681, 9536098). Algorithms developed to predict the effect of sequence changes on RNA splicing suggest that this variant may disrupt the consensus splice site, but this prediction has not been confirmed by published transcriptional studies. In summary, the available evidence is currently insufficient to determine the role of this variant in disease. Therefore, it has been classified as a Variant of Uncertain Significance. This variant is not present in population databases (ExAC no frequency). This sequence change falls in intron 8 of the FANCM gene. It does not directly change the encoded amino acid sequence of the FANCM protein, but it affects a nucleotide within the consensus splice site of the intron.

Literature cited by the submitters: PubMed 17576681; PubMed 9536098.